The following is an entry in ClinVar:

NM_016580.4(PCDH12):c.3522C>G (p.Ser1174Arg)

Gene: PCDH12 (protocadherin 12; minus strand). Cytogenetic location: 5q31.3.
Variant type: single nucleotide variant.
Coding change: c.3522C>G on transcript NM_016580.4 (MANE Select); coding-DNA position 3522, C replaced by G.
Protein change: p.Ser1174Arg; replaces serine 1174 with arginine.
Molecular consequence: missense variant.
Genome position (GRCh38, 1-based): chr5:141,945,414, G>C on the plus strand (C>G on the coding strand, the complement: PCDH12 is on the minus strand). VCF-style: chr5-141945414-G-C. GRCh37 (hg19) VCF-style: chr5-141324979-G-C.
Other names: short protein forms S1174R.
Identifiers: ClinVar variation 2420296 (VCV002420296.6), dbSNP rs754194789, ClinGen allele CA3483934.
Genomic context (GRCh38, chr5:141,945,414, plus strand): 5'-TTGGATCCAGAGGCGTCTGAGGTATGTTCACAGGCACCTGCTGCTGCTGCTGCTGCCTCT[G>C]CTCTTGCCCTCAGTCCCCGTCTTTCCACCTGGGTCCCCTTGCACTTTCATGCCTGAGGCT-3'
Protein context (NP_057664.1, residues 1164-1184): PGGKTGTEGK[Ser1174Arg]RGSSSSSRCL

ClinVar aggregate classification (germline): Uncertain significance (1 of 4 stars; one submission).

Allele frequency attached by ClinVar (database versions not stated): TOPMed below 0.00001; ExAC 0.00001; gnomAD exomes 0.00001.
gnomAD v4.1: 9 of 1,613,564 alleles (0.00056%); highest among the groups gnomAD compares: South Asian, 0.0011%; no homozygotes.

Submission:

Labcorp Genetics (formerly Invitae), Labcorp
Classification: Uncertain significance. Last evaluated: 2023-12-21. Review status: criteria provided, single submitter. Criteria: Invitae Variant Classification Sherloc (09022015). Collection method: clinical testing. Allele origin: germline.
Comment: This sequence change replaces serine, which is neutral and polar, with arginine, which is basic and polar, at codon 1174 of the PCDH12 protein (p.Ser1174Arg). This variant is present in population databases (rs754194789, gnomAD 0.003%). This variant has not been reported in the literature in individuals affected with PCDH12-related conditions. ClinVar contains an entry for this variant (Variation ID: 2420296). Advanced modeling of protein sequence and biophysical properties (such as structural, functional, and spatial information, amino acid conservation, physicochemical variation, residue mobility, and thermodynamic stability) performed at Invitae indicates that this missense variant is not expected to disrupt PCDH12 protein function with a negative predictive value of 95%. In summary, the available evidence is currently insufficient to determine the role of this variant in disease. Therefore, it has been classified as a Variant of Uncertain Significance.